The following is an entry in ClinVar:

NM_173689.7(CRB2):c.533G>A (p.Gly178Asp)

Gene: CRB2 (crumbs cell polarity complex component 2; plus strand). Cytogenetic location: 9q33.3.
Variant type: single nucleotide variant.
Coding change: c.533G>A on transcript NM_173689.7 (MANE Select); coding-DNA position 533, G replaced by A.
Protein change: p.Gly178Asp; replaces glycine 178 with aspartic acid.
Molecular consequence: missense variant.
Genome position (GRCh38, 1-based): chr9:123,366,031, G>A. VCF-style: chr9-123366031-G-A. GRCh37 (hg19) VCF-style: chr9-126128310-G-A.
Other names: short protein forms G178D.
Identifiers: ClinVar variation 591843 (VCV000591843.7), dbSNP rs1322315181, ClinGen allele CA374856955.

ClinVar aggregate classification (germline): Uncertain significance. Review status: criteria provided, single submitter (1 of 4 stars). 2 submissions from 2 submitters: Uncertain significance (1). 1 of the submissions does not count toward it. Last evaluated 2021-08-31.

Allele frequency attached by ClinVar (database versions not stated): gnomAD 0.00001; gnomAD exomes 0.00001; TOPMed 0.00001.
gnomAD v4.1: 14 of 1,588,032 alleles (0.00088%); highest among the groups gnomAD compares: Admixed American, 0.0017%; no homozygotes.

Submissions (2):

Labcorp Genetics (formerly Invitae), Labcorp
Classification: Uncertain significance. Last evaluated: 2021-08-31. Review status: criteria provided, single submitter. Criteria: Invitae Variant Classification Sherloc (09022015). Collection method: clinical testing. Allele origin: germline.
Comment: This sequence change replaces glycine with aspartic acid at codon 178 of the CRB2 protein (p.Gly178Asp). The glycine residue is highly conserved and there is a moderate physicochemical difference between glycine and aspartic acid. This variant is not present in population databases (ExAC no frequency). This variant has not been reported in the literature in individuals affected with CRB2-related conditions. ClinVar contains an entry for this variant (Variation ID: 591843). Experimental studies and prediction algorithms are not available or were not evaluated, and the functional significance of this variant is currently unknown. In summary, the available evidence is currently insufficient to determine the role of this variant in disease. Therefore, it has been classified as a Variant of Uncertain Significance.

Gharavi Laboratory, Columbia University
Classification: Uncertain significance. Last evaluated: 2018-09-16. Review status: no assertion criteria provided. Criteria: ACMG Guidelines, 2015. Collection method: research. Allele origin: germline. Affected: yes. Not counted in ClinVar's aggregate classification.